The following is an entry in ClinVar:

ClinVar aggregate classification (germline): Uncertain significance. Review status: criteria provided, multiple submitters, no conflicts (2 of 4 stars). 3 submissions from 3 submitters: Uncertain significance (3). Last evaluated 2025-06-11.

Conditions:
Developmental and epileptic encephalopathy, 42 (DEE42A). Also called: DEVELOPMENTAL AND EPILEPTIC ENCEPHALOPATHY 42A; EPILEPTIC ENCEPHALOPATHY, EARLY INFANTILE, 42A; Epileptic encephalopathy, early infantile, 42. Identifiers: MedGen C4310716, MONDO:0014917, OMIM 617106.
Episodic ataxia type 2 (EA2). Also called: ACETAZOLAMIDE-RESPONSIVE HEREDITARY PAROXYSMAL CEREBELLAR ATAXIA; ATAXIA, EPISODIC, WITH NYSTAGMUS; ATAXIA, FAMILIAL PAROXYSMAL; CEREBELLAR ATAXIA, PAROXYSMAL, ACETAZOLAMIDE-RESPONSIVE; CEREBELLOPATHY, HEREDITARY PAROXYSMAL; EPISODIC ATAXIA, NYSTAGMUS-ASSOCIATED. Identifiers: Orphanet 97, MedGen C1720416, MONDO:0007163, OMIM 108500.
Inborn genetic diseases. Identifiers: MedGen C0950123, MeSH D030342.

Submissions (3):

Ambry Genetics
Classification: Uncertain significance for Inborn genetic diseases. Last evaluated: 2025-06-11. Review status: criteria provided, single submitter. Criteria: Ambry Variant Classification Scheme 2023. Collection method: clinical testing. Allele origin: germline.

Labcorp Genetics (formerly Invitae), Labcorp
Classification: Uncertain significance for Developmental and epileptic encephalopathy, 42; Episodic ataxia type 2. Last evaluated: 2025-05-11. Review status: criteria provided, single submitter. Criteria: Invitae Variant Classification Sherloc (09022015). Collection method: clinical testing. Allele origin: germline.
Comment: This sequence change replaces arginine, which is basic and polar, with tryptophan, which is neutral and slightly polar, at codon 1599 of the CACNA1A protein (p.Arg1599Trp). This variant is not present in population databases (gnomAD no frequency). This variant has not been reported in the literature in individuals affected with CACNA1A-related conditions. ClinVar contains an entry for this variant (Variation ID: 2924795). Invitae Evidence Modeling of protein sequence and biophysical properties (such as structural, functional, and spatial information, amino acid conservation, physicochemical variation, residue mobility, and thermodynamic stability) indicates that this missense variant is not expected to disrupt CACNA1A protein function with a negative predictive value of 95%. In summary, the available evidence is currently insufficient to determine the role of this variant in disease. Therefore, it has been classified as a Variant of Uncertain Significance.

GeneDx
Classification: Uncertain significance. Last evaluated: 2023-06-18. Review status: criteria provided, single submitter. Criteria: GeneDx Variant Classification Process June 2021. Collection method: clinical testing. Allele origin: germline. Affected: yes.
Comment: Not observed at significant frequency in large population cohorts (gnomAD); In silico analysis supports that this missense variant has a deleterious effect on protein structure/function; Has not been previously published as pathogenic or benign to our knowledge

NM_001127222.2(CACNA1A):c.4792C>T (p.Arg1598Trp)

Gene: CACNA1A (calcium voltage-gated channel subunit alpha1 A; minus strand). Cytogenetic location: 19p13.13.
Variant type: single nucleotide variant.
Coding change: c.4792C>T on transcript NM_001127222.2 (MANE Select); coding-DNA position 4792, C replaced by T.
Protein change: p.Arg1598Trp; replaces arginine 1598 with tryptophan.
Molecular consequence: missense variant.
Genome position (GRCh38, 1-based): chr19:13,253,065, G>A on the plus strand (C>T on the coding strand, the complement: CACNA1A is on the minus strand). VCF-style: chr19-13253065-G-A. GRCh37 (hg19) VCF-style: chr19-13363879-G-A.
Other names: c.4804C>T, p.Arg1602Trp (NM_000068.4, NM_023035.3); c.4795C>T, p.Arg1599Trp (NM_001127221.2, NM_001174080.2); short protein forms R1598W, R1599W, R1602W.
Identifiers: ClinVar variation 2924795 (VCV002924795.5), dbSNP rs2144726167, ClinGen allele CA404338218.
Genomic context (GRCh38, chr19:13,253,065, plus strand): 5'-CCATGACTTTCAGCACACATTCCAGAGAGAAGAGGGAGGTGAAGACGATGTTGAACACCC[G>A]CAGGGCATTTTCATAAGCAACAGAAGCCCCATAGAACTAGGGGAAAGAAGCAGGAGTAGC-3'
Protein context (NP_001120694.1, residues 1588-1608): GASVAYENAL[Arg1598Trp]VFNIVFTSLF